The following is an entry in ClinVar:

NM_017654.4(SAMD9):c.869T>C (p.Val290Ala)

Gene: SAMD9 (sterile alpha motif domain containing 9; minus strand). Cytogenetic location: 7q21.2.
Variant type: single nucleotide variant.
Coding change: c.869T>C on transcript NM_017654.4 (MANE Select); coding-DNA position 869, T replaced by C.
Protein change: p.Val290Ala; replaces valine 290 with alanine.
Molecular consequence: missense variant.
Genome position (GRCh38, 1-based): chr7:93,105,229, A>G on the plus strand (T>C on the coding strand, the complement: SAMD9 is on the minus strand). VCF-style: chr7-93105229-A-G. GRCh37 (hg19) VCF-style: chr7-92734542-A-G.
Other names: c.869T>C, p.Val290Ala (NM_001193307.2); short protein forms V290A.
Identifiers: ClinVar variation 4159146 (VCV004159146.1).

ClinVar aggregate classification (germline): Uncertain significance (1 of 4 stars; one submission).

Conditions:
Inborn genetic diseases. Identifiers: MedGen C0950123, MeSH D030342.

Submission:

Ambry Genetics
Classification: Uncertain significance for Inborn genetic diseases. Last evaluated: 2025-08-11. Review status: criteria provided, single submitter. Criteria: Ambry Variant Classification Scheme 2023. Collection method: clinical testing. Allele origin: germline.
Comment: The p.V290A variant (also known as c.869T>C), located in coding exon 1 of the SAMD9 gene, results from a T to C substitution at nucleotide position 869. The valine at codon 290 is replaced by alanine, an amino acid with similar properties. This amino acid position is conserved. In addition, this alteration is predicted to be tolerated by in silico analysis. Based on the available evidence, the clinical significance of this variant remains unclear.